The following is an entry in ClinVar:

ClinVar aggregate classification (germline): Uncertain significance (1 of 4 stars; one submission).

Submission:

Labcorp Genetics (formerly Invitae), Labcorp
Classification: Uncertain significance. Last evaluated: 2024-11-20. Review status: criteria provided, single submitter. Criteria: Invitae Variant Classification Sherloc (09022015). Collection method: clinical testing. Allele origin: germline.
Comment: This sequence change replaces asparagine, which is neutral and polar, with aspartic acid, which is acidic and polar, at codon 1147 of the SAMD9L protein (p.Asn1147Asp). This variant is not present in population databases (gnomAD no frequency). This variant has not been reported in the literature in individuals affected with SAMD9L-related conditions. An algorithm developed to predict the effect of missense changes on protein structure and function outputs the following: PolyPhen-2: "Benign". The aspartic acid amino acid residue is found in multiple mammalian species, which suggests that this missense change does not adversely affect protein function. In summary, the available evidence is currently insufficient to determine the role of this variant in disease. Therefore, it has been classified as a Variant of Uncertain Significance.

NM_152703.5(SAMD9L):c.3439A>G (p.Asn1147Asp)

Gene: SAMD9L (sterile alpha motif domain containing 9 like; minus strand). Cytogenetic location: 7q21.2.
Variant type: single nucleotide variant.
Coding change: c.3439A>G on transcript NM_152703.5 (MANE Select); coding-DNA position 3439, A replaced by G.
Protein change: p.Asn1147Asp; replaces asparagine 1147 with aspartic acid.
Molecular consequence: missense variant.
Genome position (GRCh38, 1-based): chr7:93,132,533, T>C on the plus strand (A>G on the coding strand, the complement: SAMD9L is on the minus strand). VCF-style: chr7-93132533-T-C. GRCh37 (hg19) VCF-style: chr7-92761846-T-C.
Other names: c.3439A>G, p.Asn1147Asp (NM_001303500.3, NM_001350082.2, NM_001350083.2 and 5 more transcripts); short protein forms N1147D.
Identifiers: ClinVar variation 3725713 (VCV003725713.2).